The following is an entry in ClinVar:

ClinVar aggregate classification (germline): Conflicting classifications of pathogenicity. Review status: criteria provided, conflicting classifications (1 of 4 stars). 2 submissions from 2 submitters: Uncertain significance (1); Likely benign (1). Last evaluated 2025-08-19.

Conditions:
Renal cell carcinoma. Identifiers: Orphanet 217071, MedGen C0007134, MeSH D002292, MONDO:0005086, HP:0005584.
Hereditary cancer-predisposing syndrome. Also called: Hereditary Cancer Syndrome; Hereditary neoplastic syndrome; Neoplastic Syndromes, Hereditary; Tumor predisposition. Identifiers: Orphanet 140162, MedGen C0027672, MeSH D009386, MONDO:0015356.

Allele frequency attached by ClinVar (database versions not stated): gnomAD exomes below 0.00001; TOPMed below 0.00001; gnomAD 0.00001.
gnomAD v4.1: 2 of 1,613,838 alleles (0.00012%); highest among the groups gnomAD compares: Non-Finnish European, 0.00017%; no homozygotes.

Submissions (2):

Ambry Genetics
Classification: Likely benign for Hereditary cancer-predisposing syndrome. Last evaluated: 2025-08-19. Review status: criteria provided, single submitter. Criteria: Ambry Variant Classification Scheme 2023. Collection method: clinical testing. Allele origin: germline.

Labcorp Genetics (formerly Invitae), Labcorp
Classification: Uncertain significance for Renal cell carcinoma. Last evaluated: 2018-02-06. Review status: criteria provided, single submitter. Criteria: Invitae Variant Classification Sherloc (09022015). Collection method: clinical testing. Allele origin: germline.
Comment: In summary, the available evidence is currently insufficient to determine the role of this variant in disease. Therefore, it has been classified as a Variant of Uncertain Significance. Algorithms developed to predict the effect of missense changes on protein structure and function (SIFT, PolyPhen-2, Align-GVGD) all suggest that this variant is likely to be tolerated, but these predictions have not been confirmed by published functional studies and their clinical significance is uncertain. This variant has not been reported in the literature in individuals with MET-related disease. ClinVar contains an entry for this variant (Variation ID: 216496). This variant is not present in population databases (ExAC no frequency). This sequence change replaces valine with leucine at codon 37 of the MET protein (p.Val37Leu). The valine residue is moderately conserved and there is a small physicochemical difference between valine and leucine.

NM_000245.4(MET):c.109G>T (p.Val37Leu)

Gene: MET (MET proto-oncogene, receptor tyrosine kinase; plus strand). Cytogenetic location: 7q31.2.
Variant type: single nucleotide variant.
Coding change: c.109G>T on transcript NM_000245.4 (MANE Select); coding-DNA position 109, G replaced by T.
Protein change: p.Val37Leu; replaces valine 37 with leucine.
Molecular consequence: missense variant. On other transcripts: intron variant (1).
Genome position (GRCh38, 1-based): chr7:116,699,193, G>T. VCF-style: chr7-116699193-G-T. GRCh37 (hg19) VCF-style: chr7-116339247-G-T.
Other names: c.109G>T, p.Val37Leu (NM_001127500.3, NM_001324401.3); c.-91+26616G>T (NM_001324402.2); short protein forms V37L.
Identifiers: ClinVar variation 216496 (VCV000216496.13), dbSNP rs863224692, ClinGen allele CA338833.